The following is an entry in ClinVar:

NM_001458.5(FLNC):c.3706C>T (p.Pro1236Ser)

Gene: FLNC (filamin C; plus strand). Cytogenetic location: 7q32.1.
Variant type: single nucleotide variant.
Coding change: c.3706C>T on transcript NM_001458.5 (MANE Select); coding-DNA position 3706, C replaced by T.
Protein change: p.Pro1236Ser; replaces proline 1236 with serine.
Molecular consequence: missense variant.
Genome position (GRCh38, 1-based): chr7:128,845,171, C>T. VCF-style: chr7-128845171-C-T. GRCh37 (hg19) VCF-style: chr7-128485225-C-T.
Other names: c.3706C>T, p.Pro1236Ser (NM_001127487.2); short protein forms P1236S.
Identifiers: ClinVar variation 952154 (VCV000952154.15), dbSNP rs747678267, ClinGen allele CA4475103.

ClinVar aggregate classification (germline): Uncertain significance. Review status: criteria provided, multiple submitters, no conflicts (2 of 4 stars). 4 submissions from 4 submitters: Uncertain significance (4). Last evaluated 2025-12-14.

Conditions:
Distal myopathy with posterior leg and anterior hand involvement. Also called: WILLIAMS DISTAL MYOPATHY. Identifiers: Orphanet 63273, MedGen C3279722, MONDO:0013550, OMIM 614065.
Hypertrophic cardiomyopathy 26. Also called: Cardiomyopathy, familial hypertrophic, 26. Identifiers: Orphanet 75249, MedGen C4310749, MONDO:0014883, OMIM 617047.
Myofibrillar myopathy 5. Also called: Filaminopathy (type); FILAMINOPATHY, AUTOSOMAL DOMINANT. Identifiers: Orphanet 171445, MedGen C1836050, MONDO:0012289, OMIM 609524.
Cardiovascular phenotype. Identifiers: MedGen CN230736.

Allele frequency attached by ClinVar (database versions not stated): ExAC 0.00002; gnomAD exomes 0.00002 and 0.00003; TOPMed 0.00004.
gnomAD v4.1: 12 of 1,613,934 alleles (0.00074%); highest among the groups gnomAD compares: East Asian, 0.025%; no homozygotes.

Submissions (4):

Labcorp Genetics (formerly Invitae), Labcorp
Classification: Uncertain significance for Distal myopathy with posterior leg and anterior hand involvement; Myofibrillar myopathy 5; Hypertrophic cardiomyopathy 26. Last evaluated: 2025-12-14. Review status: criteria provided, single submitter. Criteria: Invitae Variant Classification Sherloc (09022015). Collection method: clinical testing. Allele origin: germline.
Comment: This sequence change replaces proline, which is neutral and non-polar, with serine, which is neutral and polar, at codon 1236 of the FLNC protein (p.Pro1236Ser). This variant is present in population databases (rs747678267, gnomAD 0.05%). This missense change has been observed in individuals with clinical features of limb-girdle muscular dystrophy and/or hypertrophic cardiomyopathy (PMID: 28403181, 30411535, 37461109). ClinVar contains an entry for this variant (Variation ID: 952154). Invitae Evidence Modeling of protein sequence and biophysical properties (such as structural, functional, and spatial information, amino acid conservation, physicochemical variation, residue mobility, and thermodynamic stability) has been performed for this missense variant. However, the output from this modeling did not meet the statistical confidence thresholds required to predict the impact of this variant on FLNC protein function. In summary, the available evidence is currently insufficient to determine the role of this variant in disease. Therefore, it has been classified as a Variant of Uncertain Significance.

Dasa
Classification: Uncertain significance. Last evaluated: 2025-09-12. Review status: criteria provided, single submitter. Criteria: DASA Assertion Criteria. Collection method: clinical testing. Allele origin: germline.
Comment: NM_001458.5(FLNC):c.3706C>T (p.Pro1236Ser) is a missense variant that results in the substitution of proline with serine. This variant is rare in population databases. Computational prediction algorithms are consistent with a deleterious effect. The currently available literature and clinical evidence are not sufficient to establish a definitive association between this variant and the reported condition. Therefore, this variant is classified as a variant of uncertain significance.

Ambry Genetics
Classification: Uncertain significance for Cardiovascular phenotype. Last evaluated: 2024-05-20. Review status: criteria provided, single submitter. Criteria: Ambry Variant Classification Scheme 2023. Collection method: clinical testing. Allele origin: germline.
Comment: The p.P1236S variant (also known as c.3706C>T), located in coding exon 21 of the FLNC gene, results from a C to T substitution at nucleotide position 3706. The proline at codon 1236 is replaced by serine, an amino acid with similar properties. This variant has been detected in an individual with features of skeletal myopathy (Yu M et al. PLoS One, 2017 Apr;12:e0175343). This variant has also been detected in hypertrophic and dilated cardiomyopathy cohorts; however, details were limited (Cui H et al. Mol Genet Genomic Med, 2018 Nov;6:1104-1113; Lian H et al. J Transl Med, 2023 Jul;21:476). This amino acid position is highly conserved in available vertebrate species. In addition, this alteration is predicted to be deleterious by in silico analysis. Based on the available evidence, the clinical significance of this variant remains unclear.

Juno Genomics, Hangzhou Juno Genomics, Inc
Classification: Uncertain significance for Hypertrophic cardiomyopathy 26; Distal myopathy with posterior leg and anterior hand involvement; Myofibrillar myopathy 5. Review status: criteria provided, single submitter. Criteria: ACMG Guidelines, 2015. Collection method: clinical testing. Allele origin: germline.
Comment: Absent from controls (or at extremely low frequency if recessive) in Genome Aggregation Database.;Multiple lines of computational evidence support a deleterious effect on the gene or gene product.;The prevalence of the variant in affected individuals is significantly increased compared to the prevalence in controls.

Literature cited by the submitters: PubMed 28403181 (cited by Labcorp Genetics (formerly Invitae), Labcorp and Ambry Genetics); PubMed 30411535 (cited by Labcorp Genetics (formerly Invitae), Labcorp and Ambry Genetics); PubMed 37461109 (cited by Labcorp Genetics (formerly Invitae), Labcorp and Ambry Genetics).